The following is an entry in ClinVar:

NM_000179.3(MSH6):c.2668G>T (p.Val890Phe)

Gene: MSH6 (mutS homolog 6; plus strand). Cytogenetic location: 2p16.3.
Variant type: single nucleotide variant.
Coding change: c.2668G>T on transcript NM_000179.3 (MANE Select); coding-DNA position 2668, G replaced by T.
Protein change: p.Val890Phe; replaces valine 890 with phenylalanine.
Molecular consequence: missense variant.
Genome position (GRCh38, 1-based): chr2:47,800,651, G>T. VCF-style: chr2-47800651-G-T. GRCh37 (hg19) VCF-style: chr2-48027790-G-T.
Other names: c.2278G>T, p.Val760Phe (NM_001281492.2); c.1762G>T, p.Val588Phe (NM_001281493.2, NM_001281494.2); short protein forms V890F, V588F, V760F.
Identifiers: ClinVar variation 231236 (VCV000231236.32), dbSNP rs786202628, ClinGen allele CA10578112.

ClinVar aggregate classification (germline): Conflicting classifications of pathogenicity. Review status: criteria provided, conflicting classifications (1 of 4 stars). 9 submissions from 9 submitters: Uncertain significance (8); Likely benign (1). Last evaluated 2025-11-05.

Conditions:
Lynch syndrome. Identifiers: Orphanet 144, MedGen C4552100, MONDO:0005835. Disease mechanism: loss of function.
Hereditary nonpolyposis colorectal neoplasms. Identifiers: MedGen C0009405, MeSH D003123.
Hereditary cancer-predisposing syndrome. Also called: Neoplastic Syndromes, Hereditary; Tumor predisposition; Hereditary Cancer Syndrome; Hereditary neoplastic syndrome. Identifiers: Orphanet 140162, MedGen C0027672, MeSH D009386, MONDO:0015356.
Endometrial carcinoma. Also called: Endometrial carcinoma, somatic. Identifiers: MedGen C0476089, MONDO:0002447, OMIM 608089, HP:0012114.
Mismatch repair cancer syndrome 3. Identifiers: MedGen C5436807, MONDO:0030841, OMIM 619097.
Lynch syndrome 5 (LYNCH5). Also called: Colorectal cancer, hereditary nonpolyposis, type 5; Hereditary non-polyposis colorectal cancer, type 5. Identifiers: Orphanet 144, MedGen C1833477, MONDO:0013710, OMIM 614350. Disease mechanism: loss of function.

Allele frequency attached by ClinVar (database versions not stated): TOPMed 0.00001.
gnomAD v4.1: 9 of 1,614,060 alleles (0.00056%); highest among the groups gnomAD compares: Admixed American, 0.0033%; no homozygotes.

Submissions (9):

Labcorp Genetics (formerly Invitae), Labcorp
Classification: Likely benign for Hereditary nonpolyposis colorectal neoplasms. Last evaluated: 2025-11-05. Review status: criteria provided, single submitter. Criteria: Invitae Variant Classification Sherloc (09022015). Collection method: clinical testing. Allele origin: germline.

Ambry Genetics
Classification: Uncertain significance for Hereditary cancer-predisposing syndrome. Last evaluated: 2025-10-22. Review status: criteria provided, single submitter. Criteria: Ambry Variant Classification Scheme 2023. Collection method: clinical testing. Allele origin: germline.
Comment: The p.V890F variant (also known as c.2668G>T), located in coding exon 4 of the MSH6 gene, results from a G to T substitution at nucleotide position 2668. The valine at codon 890 is replaced by phenylalanine, an amino acid with highly similar properties. This alteration, which the authors classify as a variant of uncertain significance, was detected in conjunction with MLH1 c.1852A>G in an individual with polyposis (Rohlin A et al. Fam. Cancer, 2017 Apr;16:195-203). This variant was also reported in 0/60,466 breast cancer cases and in 2/53,461 controls (Dorling et al. N Engl J Med. 2021 02;384:428-439). This amino acid position is not well conserved in available vertebrate species. In addition, the in silico prediction for this alteration is inconclusive. Since supporting evidence is limited at this time, the clinical significance of this alteration remains unclear.

Quest Diagnostics Nichols Institute San Juan Capistrano
Classification: Uncertain significance. Last evaluated: 2025-08-04. Review status: criteria provided, single submitter. Criteria: Quest Diagnostics criteria. Collection method: clinical testing. Allele origin: unknown.
Comment: The MSH6 c.2668G>T (p.Val890Phe) variant has been observed in the published literature in an individual with colorectal cancer (PMID: 27696107 (2016)) and in reportedly unaffected individuals (PMID: 33471991 (2021), see also LOVD). The frequency of this variant in the general population (Genome Aggregation Database) is uninformative in the assessment of its pathogenicity. Analysis of this variant using bioinformatics tools for the prediction of the effect of amino acid changes on protein structure and function yielded conflicting predictions that this variant is benign or damaging. Based on the available information, we are unable to determine the clinical significance of this variant.

All of Us Research Program, National Institutes of Health
Classification: Uncertain significance for Lynch syndrome. Last evaluated: 2024-03-24. Review status: criteria provided, single submitter. Criteria: ACMG Guidelines, 2015. Collection method: clinical testing. Allele origin: germline. Inheritance: Autosomal dominant inheritance. Observed: 1 variant allele, 1 heterozygote.
Comment: This missense variant replaces valine with phenylalanine at codon 890 of the MSH6 protein. Computational prediction is inconclusive regarding the impact of this variant on protein structure and function (internally defined REVEL score threshold 0.5 < inconclusive < 0.7, PMID: 27666373). To our knowledge, functional studies have not been reported for this variant. This variant has been reported in an individual affected with colon cancer (PMID: 27696107). This variant has been identified in 3/250514 chromosomes in the general population by the Genome Aggregation Database (gnomAD). The available evidence is insufficient to determine the role of this variant in disease conclusively. Therefore, this variant is classified as a Variant of Uncertain Significance.

This study involves interpretation of variants in research participants for the purpose of population health screening. Participant phenotype was not available at the time of variant classification. Additional details can be found in publication PMID: 35346344, PMCID: PMC8962531

Color Diagnostics, LLC DBA Color Health
Classification: Uncertain significance for Hereditary cancer-predisposing syndrome. Last evaluated: 2024-02-21. Review status: criteria provided, single submitter. Criteria: ACMG Guidelines, 2015. Collection method: clinical testing. Allele origin: germline.
Comment: This missense variant replaces valine with phenylalanine at codon 890 of the MSH6 protein. Computational prediction is inconclusive regarding the impact of this variant on protein structure and function (internally defined REVEL score threshold 0.5 < inconclusive < 0.7, PMID: 27666373). To our knowledge, functional studies have not been reported for this variant. This variant has been reported in an individual affected with colon cancer (PMID: 27696107). This variant has been identified in 3/250514 chromosomes in the general population by the Genome Aggregation Database (gnomAD). The available evidence is insufficient to determine the role of this variant in disease conclusively. Therefore, this variant is classified as a Variant of Uncertain Significance.

Baylor Genetics
Classification: Uncertain significance for Endometrial carcinoma. Last evaluated: 2024-01-25. Review status: criteria provided, single submitter. Criteria: ACMG Guidelines, 2015. Collection method: clinical testing. Allele origin: unknown.

GeneDx
Classification: Uncertain significance. Last evaluated: 2023-10-19. Review status: criteria provided, single submitter. Criteria: GeneDx Variant Classification Process June 2021. Collection method: clinical testing. Allele origin: germline. Affected: yes.
Comment: Not observed at significant frequency in large population cohorts (gnomAD); In silico analysis supports that this missense variant does not alter protein structure/function; This variant is associated with the following publications: (PMID: 27696107, 33471991, 17531815, 21120944)

Fulgent Genetics
Classification: Uncertain significance for Endometrial carcinoma; Lynch syndrome 5; Mismatch repair cancer syndrome 3. Last evaluated: 2021-10-26. Review status: criteria provided, single submitter. Criteria: ACMG Guidelines, 2015. Collection method: clinical testing. Allele origin: unknown.

Women's Health and Genetics/Laboratory Corporation of America, LabCorp
Classification: Uncertain significance. Last evaluated: 2021-07-03. Review status: criteria provided, single submitter. Criteria: LabCorp Variant Classification Summary - May 2015. Collection method: clinical testing. Allele origin: germline.
Comment: Variant summary: MSH6 c.2668G>T (p.Val890Phe) results in a non-conservative amino acid change located in the DNA mismatch repair protein MutS, core domain (IPR007696) of the encoded protein sequence. Three of five in-silico tools predict a benign effect of the variant on protein function. The variant allele was found at a frequency of 1.2e-05 in 250514 control chromosomes. The available data on variant occurrences in the general population are insufficient to allow any conclusion about variant significance. c.2668G>T has been reported in the literature in at-least one individual undergoing multigene panel testing for colorectal cancer (example, Rohlin_2017). This report does not provide unequivocal conclusions about association of the variant with Lynch Syndrome. To our knowledge, no experimental evidence demonstrating an impact on protein function has been reported. Four clinical diagnostic laboratories have submitted clinical-significance assessments for this variant to ClinVar after 2014 without evidence for independent evaluation. All laboratories classified the variant as uncertain significance. Based on the evidence outlined above, the variant was classified as uncertain significance.

Literature cited by the submitters: PubMed 27696107 (cited by 5 submitters); PubMed 33471991 (cited by Ambry Genetics and Quest Diagnostics Nichols Institute San Juan Capistrano).